The following is an entry in ClinVar:

NM_001300790.2(HLA-DQB2):c.188A>G (p.Glu63Gly)

Gene: HLA-DQB2 (major histocompatibility complex, class II, DQ beta 2; minus strand). Cytogenetic location: 6p21.32.
Variant type: single nucleotide variant.
Coding change: c.188A>G on transcript NM_001300790.2 (MANE Select); coding-DNA position 188, A replaced by G.
Protein change: p.Glu63Gly; replaces glutamic acid 63 with glycine.
Molecular consequence: missense variant.
Genome position (GRCh38, 1-based): chr6:32,761,836, T>C on the plus strand (A>G on the coding strand, the complement: HLA-DQB2 is on the minus strand). VCF-style: chr6-32761836-T-C. GRCh37 (hg19) VCF-style: chr6-32729613-T-C.
Other names: c.188A>G, p.Glu63Gly (NM_001198858.2); short protein forms E63G.
Identifiers: ClinVar variation 2656476 (VCV002656476.24), dbSNP rs115793818, ClinGen allele CA3745394.

ClinVar aggregate classification (germline): Likely benign (1 of 4 stars; one submission).

Allele frequency attached by ClinVar (database versions not stated): 1000 Genomes Project 30x 0.00390; 1000 Genomes Project 0.00439; TOPMed 0.00640; gnomAD 0.00656; gnomAD exomes 0.00866; ExAC 0.01316.
gnomAD v4.1: 13,584 of 1,608,320 alleles (0.84%); highest among the groups gnomAD compares: Middle Eastern, 0.96%; 82 homozygotes.

Submission:

CeGaT Center for Human Genetics Tuebingen
Classification: Likely benign. Last evaluated: 2024-02-01. Review status: criteria provided, single submitter. Criteria: CeGaT Center For Human Genetics Tuebingen Variant Classification Criteria Version 2. Collection method: clinical testing. Allele origin: germline. Affected: yes. Observed: 2 variant alleles.
Comment: HLA-DQB2: BP4, BS2